The following is an entry in ClinVar:

NM_006364.4(SEC23A):c.1784A>G (p.Asn595Ser)

Gene: SEC23A (SEC23 homolog A, COPII component; minus strand). Cytogenetic location: 14q21.1.
Variant type: single nucleotide variant.
Coding change: c.1784A>G on transcript NM_006364.4 (MANE Select); coding-DNA position 1784, A replaced by G.
Protein change: p.Asn595Ser; replaces asparagine 595 with serine.
Molecular consequence: missense variant.
Genome position (GRCh38, 1-based): chr14:39,045,278, T>C on the plus strand (A>G on the coding strand, the complement: SEC23A is on the minus strand). VCF-style: chr14-39045278-T-C. GRCh37 (hg19) VCF-style: chr14-39514482-T-C.
Other names: short protein forms N595S.
Identifiers: ClinVar variation 2080577 (VCV002080577.5), dbSNP rs775163398, ClinGen allele CA7161748.
Genomic context (GRCh38, chr14:39,045,278, plus strand): 5'-GACTGGGTCAGATCTTGACGCATAAAATGGTGACGATAATATGAACTCTCATCAGGACTA[T>C]TGTTAAAAACTTGCAGGAAAGAAGATCTTCTTAAATGAAACATAAACTGTAAGATAAACA-3'
Protein context (NP_006355.2, residues 585-605): RRSSFLQVFN[Asn595Ser]SPDESSYYRH

ClinVar aggregate classification (germline): Uncertain significance (1 of 4 stars; one submission).

Conditions:
Craniolenticulosutural dysplasia (CLSD). Also called: BOYADJIEV-JABS SYNDROME. Identifiers: Orphanet 50814, MedGen C1843042, MONDO:0011911, OMIM 607812.

Allele frequency attached by ClinVar (database versions not stated): TOPMed 0.00002; gnomAD 0.00001; gnomAD exomes 0.00002; ExAC 0.00002.
gnomAD v4.1: 31 of 1,612,020 alleles (0.0019%); highest among the groups gnomAD compares: Middle Eastern, 0.016%; no homozygotes.

Submissions (2):

Labcorp Genetics (formerly Invitae), Labcorp
Classification: Uncertain significance for Craniolenticulosutural dysplasia. Last evaluated: 2024-10-15. Review status: criteria provided, single submitter. Criteria: Invitae Variant Classification Sherloc (09022015). Collection method: clinical testing. Allele origin: germline.
Comment: This sequence change replaces asparagine with serine at codon 595 of the SEC23A protein (p.Asn595Ser). The asparagine residue is highly conserved and there is a small physicochemical difference between asparagine and serine. This variant is present in population databases (rs775163398, gnomAD 0.007%). This variant has not been reported in the literature in individuals affected with SEC23A-related conditions. ClinVar contains an entry for this variant (Variation ID: 2080577). Invitae Evidence Modeling of protein sequence and biophysical properties (such as structural, functional, and spatial information, amino acid conservation, physicochemical variation, residue mobility, and thermodynamic stability) indicates that this missense variant is not expected to disrupt SEC23A protein function with a negative predictive value of 80%. In summary, the available evidence is currently insufficient to determine the role of this variant in disease. Therefore, it has been classified as a Variant of Uncertain Significance.

Dr. Peter K. Rogan Lab, Western University
No classification provided (evidence only). Condition: Clear cell carcinoma of kidney. Review status: no classification provided. Collection method: in vitro. Allele origin: not applicable. Functional consequence: retained intron. Not counted in ClinVar's aggregate classification.